The following is an entry in ClinVar:

ClinVar aggregate classification (germline): Uncertain significance (1 of 4 stars; one submission).

Submission:

GeneDx
Classification: Uncertain significance. Last evaluated: 2022-04-08. Review status: criteria provided, single submitter. Criteria: GeneDx Variant Classification Process June 2021. Collection method: clinical testing. Allele origin: germline. Affected: yes.
Comment: Not observed at significant frequency in large population cohorts (gnomAD); In silico analysis supports that this missense variant has a deleterious effect on protein structure/function; De novo variant with confirmed parentage; however, the reported clinical features are only partially consistent with the features typically observed in individuals with pathogenic variants in this gene; Has not been previously published as pathogenic or benign to our knowledge

NM_003709.4(KLF7):c.425C>T (p.Pro142Leu)

Gene: KLF7 (KLF transcription factor 7; minus strand). Cytogenetic location: 2q33.3.
Variant type: single nucleotide variant.
Coding change: c.425C>T on transcript NM_003709.4 (MANE Select); coding-DNA position 425, C replaced by T.
Protein change: p.Pro142Leu; replaces proline 142 with leucine.
Molecular consequence: missense variant.
Genome position (GRCh38, 1-based): chr2:207,124,082, G>A on the plus strand (C>T on the coding strand, the complement: KLF7 is on the minus strand). VCF-style: chr2-207124082-G-A. GRCh37 (hg19) VCF-style: chr2-207988806-G-A.
Other names: c.425C>T, p.Pro142Leu (NM_001270942.1); c.326C>T, p.Pro109Leu (NM_001270943.2); c.341C>T, p.Pro114Leu (NM_001270944.2); short protein forms P109L, P114L, P142L.
Identifiers: ClinVar variation 1708773 (VCV001708773.2), dbSNP rs2469209306, ClinGen allele CA350157561.